The following is an entry in ClinVar:

NM_006277.3(ITSN2):c.3514G>C (p.Val1172Leu)

Gene: ITSN2 (intersectin 2; minus strand). Cytogenetic location: 2p23.3.
Variant type: single nucleotide variant.
Coding change: c.3514G>C on transcript NM_006277.3 (MANE Select); coding-DNA position 3514, G replaced by C.
Protein change: p.Val1172Leu; replaces valine 1172 with leucine.
Molecular consequence: missense variant.
Genome position (GRCh38, 1-based): chr2:24,246,192, C>G on the plus strand (G>C on the coding strand, the complement: ITSN2 is on the minus strand). VCF-style: chr2-24246192-C-G. GRCh37 (hg19) VCF-style: chr2-24469061-C-G.
Other names: c.3472G>C, p.Val1158Leu (NM_001348181.2); c.3394G>C, p.Val1132Leu (NM_001348182.2, NM_001348186.2); c.3433G>C, p.Val1145Leu (NM_001348183.2, NM_019595.4); c.3391G>C, p.Val1131Leu (NM_001348184.2); c.3475G>C, p.Val1159Leu (NM_001348185.2); c.3514G>C, p.Val1172Leu (NM_147152.3); c.3514G>C (NM_006277.2); short protein forms V1159L, V1132L, V1172L, V1131L, V1145L, V1158L.
Identifiers: ClinVar variation 2183465 (VCV002183465.5), dbSNP rs561453795, ClinGen allele CA43573639.

ClinVar aggregate classification (germline): Uncertain significance. Review status: criteria provided, multiple submitters, no conflicts (2 of 4 stars). 2 submissions from 2 submitters: Uncertain significance (2). Last evaluated 2025-06-12.

Allele frequency attached by ClinVar (database versions not stated): TOPMed 0.00009.
gnomAD v4.1: 32 of 1,613,358 alleles (0.002%); highest among the groups gnomAD compares: African/African-American, 0.041%; no homozygotes.

Submissions (2):

Labcorp Genetics (formerly Invitae), Labcorp
Classification: Uncertain significance. Last evaluated: 2025-06-12. Review status: criteria provided, single submitter. Criteria: Invitae Variant Classification Sherloc (09022015). Collection method: clinical testing. Allele origin: germline.
Comment: This sequence change replaces valine, which is neutral and non-polar, with leucine, which is neutral and non-polar, at codon 1172 of the ITSN2 protein (p.Val1172Leu). This variant is present in population databases (no rsID available, gnomAD 0.03%). This variant has not been reported in the literature in individuals affected with ITSN2-related conditions. ClinVar contains an entry for this variant (Variation ID: 2183465). An algorithm developed to predict the effect of missense changes on protein structure and function outputs the following: PolyPhen-2: "Not Available". The leucine amino acid residue is found in multiple mammalian species, which suggests that this missense change does not adversely affect protein function. In summary, the available evidence is currently insufficient to determine the role of this variant in disease. Therefore, it has been classified as a Variant of Uncertain Significance.

Ambry Genetics
Classification: Uncertain significance. Last evaluated: 2024-12-28. Review status: criteria provided, single submitter. Criteria: Ambry Variant Classification Scheme 2023. Collection method: clinical testing. Allele origin: germline.